The following is an entry in ClinVar:

NM_005026.5(PIK3CD):c.910C>T (p.Pro304Ser)

Gene: PIK3CD (phosphatidylinositol-4,5-bisphosphate 3-kinase catalytic subunit delta; plus strand). Cytogenetic location: 1p36.22.
Variant type: single nucleotide variant.
Coding change: c.910C>T on transcript NM_005026.5 (MANE Select); coding-DNA position 910, C replaced by T.
Protein change: p.Pro304Ser; replaces proline 304 with serine.
Molecular consequence: missense variant.
Genome position (GRCh38, 1-based): chr1:9,717,088, C>T. VCF-style: chr1-9717088-C-T. GRCh37 (hg19) VCF-style: chr1-9777146-C-T.
Other names: c.823C>T, p.Pro275Ser (NM_001350235.1); c.910C>T, p.Pro304Ser (NM_001437546.1, NM_001437547.1, NM_001438338.1 and 2 more transcripts); short protein forms P275S, P304S.
Identifiers: ClinVar variation 4742128 (VCV004742128.1).

ClinVar aggregate classification (germline): Uncertain significance (1 of 4 stars; one submission).

Conditions:
Immunodeficiency 14 (IMD14A). Also called: p110-DELTA-ACTIVATING MUTATION CAUSING SENESCENT T CELLS, LYMPHADENOPATHY, AND IMMUNODEFICIENCY; ACTIVATED PI3K-DELTA SYNDROME 1; Activated PI3K Delta Syndrome Type 1 (APDS1); IMMUNODEFICIENCY 14A WITH LYMPHOPROLIFERATION, AUTOSOMAL DOMINANT. Identifiers: Orphanet 397596, Orphanet 693661, MedGen C5907821, MONDO:0014222, OMIM 615513.

Submission:

Labcorp Genetics (formerly Invitae), Labcorp
Classification: Uncertain significance for Activated PI3K-delta syndrome. Last evaluated: 2025-07-27. Review status: criteria provided, single submitter. Criteria: Invitae Variant Classification Sherloc (09022015). Collection method: clinical testing. Allele origin: germline.
Comment: This sequence change replaces proline, which is neutral and non-polar, with serine, which is neutral and polar, at codon 304 of the PIK3CD protein (p.Pro304Ser). This variant is not present in population databases (gnomAD no frequency). This variant has not been reported in the literature in individuals affected with PIK3CD-related conditions. Invitae Evidence Modeling of protein sequence and biophysical properties (such as structural, functional, and spatial information, amino acid conservation, physicochemical variation, residue mobility, and thermodynamic stability) indicates that this missense variant is not expected to disrupt PIK3CD protein function with a negative predictive value of 80%. In summary, the available evidence is currently insufficient to determine the role of this variant in disease. Therefore, it has been classified as a Variant of Uncertain Significance.